The following is an entry in ClinVar:

NM_001430.5(EPAS1):c.700C>T (p.His234Tyr)

Genes: EPAS1 (endothelial PAS domain protein 1; plus strand), LOC126806210 (BRD4-independent group 4 enhancer GRCh37_chr2:46587586-46588785; plus strand). Cytogenetic location: 2p21.
Variant type: single nucleotide variant.
Coding change: c.700C>T on transcript NM_001430.5 (MANE Select); coding-DNA position 700, C replaced by T.
Protein change: p.His234Tyr; replaces histidine 234 with tyrosine.
Molecular consequence: missense variant.
Genome position (GRCh38, 1-based): chr2:46,361,011, C>T. VCF-style: chr2-46361011-C-T. GRCh37 (hg19) VCF-style: chr2-46588150-C-T.
Other names: short protein forms H234Y.
Identifiers: ClinVar variation 1756670 (VCV001756670.2), dbSNP rs772716081, ClinGen allele CA46545692.

ClinVar aggregate classification (germline): Uncertain significance (1 of 4 stars; one submission).

Conditions:
Inborn genetic diseases. Identifiers: MedGen C0950123, MeSH D030342.

Allele frequency attached by ClinVar (database versions not stated): gnomAD 0.00001; TOPMed 0.00001.
gnomAD v4.1: 6 of 1,614,026 alleles (0.00037%); highest among the groups gnomAD compares: Admixed American, 0.0033%; no homozygotes.

Submission:

Ambry Genetics
Classification: Uncertain significance for Inborn genetic diseases. Last evaluated: 2023-12-14. Review status: criteria provided, single submitter. Criteria: Ambry Variant Classification Scheme 2023. Collection method: clinical testing. Allele origin: germline.
Comment: The p.H234Y variant (also known as c.700C>T), located in coding exon 6 of the EPAS1 gene, results from a C to T substitution at nucleotide position 700. The histidine at codon 234 is replaced by tyrosine, an amino acid with similar properties. This amino acid position is conserved. In addition, this alteration is predicted to be tolerated by in silico analysis. Since supporting evidence is limited at this time, the clinical significance of this alteration remains unclear.